The following is an entry in ClinVar:

NM_000277.3(PAH):c.1199+4A>G

Gene: PAH (phenylalanine hydroxylase; minus strand). Cytogenetic location: 12q23.2.
Variant type: single nucleotide variant.
Coding change: c.1199+4A>G on transcript NM_000277.3 (MANE Select); 4 bases into the intron after coding-DNA position 1199, A replaced by G.
Molecular consequence: intron variant.
Genome position (GRCh38, 1-based): chr12:102,843,642, T>C on the plus strand (A>G on the coding strand, the complement: PAH is on the minus strand). VCF-style: chr12-102843642-T-C. GRCh37 (hg19) VCF-style: chr12-103237420-T-C.
Other names: c.1199+4A>G (NM_001354304.2).
Identifiers: ClinVar variation 987771 (VCV000987771.4), dbSNP rs1471682834, ClinGen allele CA16020961.
Genomic context (GRCh38, chr12:102,843,642, plus strand): 5'-ACAGATGAGTGGCACCAGTCAGGAGGCCCCCAGAGCTAGTGGCTCACCTTTGTCACCACC[T>C]CACCTTACTTTCTCCTTGGCATCATTAAAACTCTCTGCCACGTAATAGAGGGGCTGGAAC-3'

ClinVar aggregate classification (germline): Likely pathogenic. Review status: reviewed by expert panel (3 of 4 stars). 2 submissions from 2 submitters: Likely pathogenic (1). 1 of the submissions does not count toward it. Last evaluated 2020-10-15.

Conditions:
Phenylketonuria (PKU). Also called: OLIGOPHRENIA PHENYLPYRUVICA; Phenylketonuria (PKU); Phenylketonurias; FOLLING DISEASE. Identifiers: Orphanet 716, MedGen C0031485, MONDO:0009861, OMIM 261600. Disease mechanism: loss of function.

Allele frequency attached by ClinVar (database versions not stated): TOPMed below 0.00001.

Submissions (2):

ClinGen PAH Variant Curation Expert Panel
Classification: Likely pathogenic for Phenylketonuria. Last evaluated: 2020-10-15. Review status: reviewed by expert panel. Criteria: ClinGen PAH ACMG Specifications v1. Collection method: curation. Allele origin: germline. Inheritance: Autosomal recessive inheritance.
Comment: A defect in BH4 metabolism was not excluded. This variant is absent from population databases. It is intronic and multiple lines of computational evidence support a deleterious effect. In summary, this variant meets criteria to be classified as likely pathogenic for PAH. PAH-specific ACMG/AMP criteria applied: PM2, PM3, PP3, PP4.

Labcorp Genetics (formerly Invitae), Labcorp
Classification: Likely pathogenic for Phenylketonuria. Last evaluated: 2023-07-24. Review status: criteria provided, single submitter. Criteria: Invitae Variant Classification Sherloc (09022015). Collection method: clinical testing. Allele origin: germline. Not counted in ClinVar's aggregate classification.
Comment: This sequence change falls in intron 11 of the PAH gene. It does not directly change the encoded amino acid sequence of the PAH protein. It affects a nucleotide within the consensus splice site. This variant is not present in population databases (gnomAD no frequency). This variant has been observed in individual(s) with hyperphenylalaninemia (PMID: 26542770, 32668217). In at least one individual the data is consistent with being in trans (on the opposite chromosome) from a pathogenic variant. ClinVar contains an entry for this variant (Variation ID: 987771). Variants that disrupt the consensus splice site are a relatively common cause of aberrant splicing (PMID: 17576681, 9536098). Algorithms developed to predict the effect of sequence changes on RNA splicing suggest that this variant may disrupt the consensus splice site. In summary, the currently available evidence indicates that the variant is pathogenic, but additional data are needed to prove that conclusively. Therefore, this variant has been classified as Likely Pathogenic.

Literature cited by the submitters: PubMed 26542770 (cited by ClinGen PAH Variant Curation Expert Panel and Labcorp Genetics (formerly Invitae), Labcorp); PubMed 32668217 (cited by Labcorp Genetics (formerly Invitae), Labcorp); PubMed 17576681 (cited by Labcorp Genetics (formerly Invitae), Labcorp); PubMed 9536098 (cited by Labcorp Genetics (formerly Invitae), Labcorp).